The following is an entry in ClinVar:

ClinVar aggregate classification (germline): Uncertain significance. Review status: criteria provided, multiple submitters, no conflicts (2 of 4 stars). 2 submissions from 2 submitters: Uncertain significance (2). Last evaluated 2022-03-02.

Submissions (2):

Ambry Genetics
Classification: Uncertain significance. Last evaluated: 2022-03-02. Review status: criteria provided, single submitter. Criteria: Ambry Variant Classification Scheme 2023. Collection method: clinical testing. Allele origin: germline.
Comment: The p.E276D variant (also known as c.828G>C), located in coding exon 9 of the FAM175A gene, results from a G to C substitution at nucleotide position 828. The glutamic acid at codon 276 is replaced by aspartic acid, an amino acid with highly similar properties. This amino acid position is conserved. In addition, this alteration is predicted to be tolerated by in silico analysis. Since supporting evidence is limited at this time, the clinical significance of this alteration remains unclear.

Labcorp Genetics (formerly Invitae), Labcorp
Classification: Uncertain significance. Last evaluated: 2021-07-18. Review status: criteria provided, single submitter. Criteria: Invitae Variant Classification Sherloc (09022015). Collection method: clinical testing. Allele origin: germline.
Comment: In summary, the available evidence is currently insufficient to determine the role of this variant in disease. Therefore, it has been classified as a Variant of Uncertain Significance. Algorithms developed to predict the effect of missense changes on protein structure and function are either unavailable or do not agree on the potential impact of this missense change (SIFT: "Tolerated"; PolyPhen-2: "Probably Damaging"; Align-GVGD: "Class C0"). This variant has not been reported in the literature in individuals affected with ABRAXAS1-related conditions. This variant is not present in population databases (ExAC no frequency). This sequence change replaces glutamic acid with aspartic acid at codon 276 of the ABRAXAS1 protein (p.Glu276Asp). The glutamic acid residue is highly conserved and there is a small physicochemical difference between glutamic acid and aspartic acid.

NM_139076.3(ABRAXAS1):c.828G>C (p.Glu276Asp)

Gene: ABRAXAS1 (abraxas 1, BRCA1 A complex subunit; minus strand). Cytogenetic location: 4q21.23.
Variant type: single nucleotide variant.
Coding change: c.828G>C on transcript NM_139076.3 (MANE Select); coding-DNA position 828, G replaced by C.
Protein change: p.Glu276Asp; replaces glutamic acid 276 with aspartic acid.
Molecular consequence: missense variant.
Genome position (GRCh38, 1-based): chr4:83,462,871, C>G on the plus strand (G>C on the coding strand, the complement: ABRAXAS1 is on the minus strand). VCF-style: chr4-83462871-C-G. GRCh37 (hg19) VCF-style: chr4-84384024-C-G.
Other names: c.501G>C, p.Glu167Asp (NM_001345962.2); short protein forms E167D, E276D.
Identifiers: ClinVar variation 1366605 (VCV001366605.10), dbSNP rs2110033350, ClinGen allele CA357256665.